The following is an entry in ClinVar:

NM_001018113.3(FANCB):c.1524G>T (p.Leu508Phe)

Gene: FANCB (FA complementation group B; minus strand). Cytogenetic location: Xp22.2.
Variant type: single nucleotide variant.
Coding change: c.1524G>T on transcript NM_001018113.3 (MANE Select); coding-DNA position 1524, G replaced by T.
Protein change: p.Leu508Phe; replaces leucine 508 with phenylalanine.
Molecular consequence: missense variant.
Genome position (GRCh38, 1-based): chrX:14,845,259, C>A on the plus strand (G>T on the coding strand, the complement: FANCB is on the minus strand). VCF-style: chrX-14845259-C-A. GRCh37 (hg19) VCF-style: chrX-14863381-C-A.
Other names: c.1524G>T, p.Leu508Phe (NM_001324162.2, NM_001410764.1, NM_152633.4); short protein forms L508F.
Identifiers: ClinVar variation 3658593 (VCV003658593.2).

ClinVar aggregate classification (germline): Uncertain significance (1 of 4 stars; one submission).

Conditions:
Fanconi anemia (FA). Also called: Fanconi's anemia. Identifiers: Orphanet 84, MedGen C0015625, MeSH D005199, MONDO:0019391.

Submission:

Labcorp Genetics (formerly Invitae), Labcorp
Classification: Uncertain significance for Fanconi anemia. Last evaluated: 2024-07-12. Review status: criteria provided, single submitter. Criteria: Invitae Variant Classification Sherloc (09022015). Collection method: clinical testing. Allele origin: germline.
Comment: This sequence change replaces leucine, which is neutral and non-polar, with phenylalanine, which is neutral and non-polar, at codon 508 of the FANCB protein (p.Leu508Phe). This variant is not present in population databases (gnomAD no frequency). This variant has not been reported in the literature in individuals affected with FANCB-related conditions. Advanced modeling of protein sequence and biophysical properties (such as structural, functional, and spatial information, amino acid conservation, physicochemical variation, residue mobility, and thermodynamic stability) performed at Invitae indicates that this missense variant is expected to disrupt FANCB protein function with a positive predictive value of 80%. In summary, the available evidence is currently insufficient to determine the role of this variant in disease. Therefore, it has been classified as a Variant of Uncertain Significance.